The following is an entry in ClinVar:

ClinVar aggregate classification (germline): Uncertain significance. Review status: criteria provided, multiple submitters, no conflicts (2 of 4 stars). 2 submissions from 2 submitters: Uncertain significance (2). Last evaluated 2025-10-03.

Conditions:
TMEM67-related disorder. Also called: TMEM67-related condition; TMEM67-related disorders. Identifiers: MedGen CN239423.
Meckel-Gruber syndrome. Also called: Dysencephalia splachnocystica; DYSENCEPHALIA SPLANCHNOCYSTICA; GRUBER SYNDROME. Identifiers: Orphanet 564, MedGen C0265215, MONDO:0018921.
Joubert syndrome. Also called: Familial aplasia of the vermis; JOUBERT-BOLTSHAUSER SYNDROME. Identifiers: Orphanet 475, MedGen C5979921, MONDO:0018772.

Submissions (2):

PreventionGenetics, part of Exact Sciences
Classification: Uncertain significance for TMEM67-related condition. Last evaluated: 2025-10-03. Review status: criteria provided, single submitter. Criteria: ACMG Guidelines, 2015. Collection method: clinical testing. Allele origin: germline.
Comment: The TMEM67 c.2347A>G variant is predicted to result in the amino acid substitution p.Lys783Glu. To our knowledge, this variant has not been reported in the literature or in a large population database (gnomAD), indicating this variant is rare. At this time, the clinical significance of this variant is uncertain due to the absence of conclusive functional and genetic evidence.

Labcorp Genetics (formerly Invitae), Labcorp
Classification: Uncertain significance for Joubert syndrome; Meckel-Gruber syndrome. Last evaluated: 2022-11-17. Review status: criteria provided, single submitter. Criteria: Invitae Variant Classification Sherloc (09022015). Collection method: clinical testing. Allele origin: germline.
Comment: In summary, the available evidence is currently insufficient to determine the role of this variant in disease. Therefore, it has been classified as a Variant of Uncertain Significance. Algorithms developed to predict the effect of sequence changes on RNA splicing suggest that this variant may create or strengthen a splice site. Algorithms developed to predict the effect of missense changes on protein structure and function (SIFT, PolyPhen-2, Align-GVGD) all suggest that this variant is likely to be tolerated. This variant has not been reported in the literature in individuals affected with TMEM67-related conditions. This variant is not present in population databases (gnomAD no frequency). This sequence change replaces lysine, which is basic and polar, with glutamic acid, which is acidic and polar, at codon 783 of the TMEM67 protein (p.Lys783Glu).

NM_153704.6(TMEM67):c.2347A>G (p.Lys783Glu)

Gene: TMEM67 (transmembrane protein 67; plus strand). Cytogenetic location: 8q22.1.
Variant type: single nucleotide variant.
Coding change: c.2347A>G on transcript NM_153704.6 (MANE Select); coding-DNA position 2347, A replaced by G.
Protein change: p.Lys783Glu; replaces lysine 783 with glutamic acid.
Molecular consequence: missense variant. On other transcripts: non-coding transcript variant (1).
Genome position (GRCh38, 1-based): chr8:93,804,786, A>G. VCF-style: chr8-93804786-A-G. GRCh37 (hg19) VCF-style: chr8-94817014-A-G.
Other names: c.2104A>G, p.Lys702Glu (NM_001142301.1); short protein forms K783E, K702E.
Identifiers: ClinVar variation 2940655 (VCV002940655.4), dbSNP rs2536929483, ClinGen allele CA371698000.